The following is an entry in ClinVar:

ClinVar aggregate classification (germline): Uncertain significance (1 of 4 stars; one submission).

Submission:

GeneDx
Classification: Uncertain significance. Last evaluated: 2026-04-16. Review status: criteria provided, single submitter. Criteria: GeneDx Variant Classification Process June 2021. Collection method: clinical testing. Allele origin: germline.
Comment: Not observed at significant frequency in large population cohorts (gnomAD); In silico analysis suggests that this missense variant does not alter protein structure/function; Has not been previously published as pathogenic or benign to our knowledge

NM_003998.4(NFKB1):c.2273A>C (p.Asp758Ala)

Gene: NFKB1 (nuclear factor kappa B subunit 1; plus strand). Cytogenetic location: 4q24.
Variant type: single nucleotide variant.
Coding change: c.2273A>C on transcript NM_003998.4 (MANE Select); coding-DNA position 2273, A replaced by C.
Protein change: p.Asp758Ala; replaces aspartic acid 758 with alanine.
Molecular consequence: missense variant.
Genome position (GRCh38, 1-based): chr4:102,610,620, A>C. VCF-style: chr4-102610620-A-C. GRCh37 (hg19) VCF-style: chr4-103531777-A-C.
Other names: c.2270A>C, p.Asp757Ala (NM_001165412.2, NM_001319226.2, NM_001382627.1); c.2273A>C, p.Asp758Ala (NM_001382625.1, NM_001382626.1); c.2231A>C, p.Asp744Ala (NM_001382628.1); short protein forms D744A, D757A, D758A.
Identifiers: ClinVar variation 5037206 (VCV005037206.1).